The following is an entry in ClinVar:

NM_014244.5(ADAMTS2):c.2885C>T (p.Ala962Val)

Gene: ADAMTS2 (ADAM metallopeptidase with thrombospondin type 1 motif 2; minus strand). Cytogenetic location: 5q35.3.
Variant type: single nucleotide variant.
Coding change: c.2885C>T on transcript NM_014244.5 (MANE Select); coding-DNA position 2885, C replaced by T.
Protein change: p.Ala962Val; replaces alanine 962 with valine.
Molecular consequence: missense variant.
Genome position (GRCh38, 1-based): chr5:179,125,046, G>A on the plus strand (C>T on the coding strand, the complement: ADAMTS2 is on the minus strand). VCF-style: chr5-179125046-G-A. GRCh37 (hg19) VCF-style: chr5-178552047-G-A.
Other names: short protein forms A962V.
Identifiers: ClinVar variation 2193883 (VCV002193883.1), dbSNP rs768445765, ClinGen allele CA3595385.

ClinVar aggregate classification (germline): Uncertain significance (1 of 4 stars; one submission).

Conditions:
Ehlers-Danlos syndrome, dermatosparaxis type. Also called: EDS VIIC; Dermatosparaxis; Ehlers-Danlos syndrome, type VII, autosomal recessive. Identifiers: Orphanet 1901, MedGen C2700425, MONDO:0009161, OMIM 225410.

Allele frequency attached by ClinVar (database versions not stated): gnomAD 0.00001; TOPMed 0.00001; ExAC 0.00002.
gnomAD v4.1: 5 of 1,608,632 alleles (0.00031%); highest among the groups gnomAD compares: Non-Finnish European, 0.00034%; no homozygotes.

Submission:

Labcorp Genetics (formerly Invitae), Labcorp
Classification: Uncertain significance for Ehlers-Danlos syndrome, dermatosparaxis type. Last evaluated: 2021-10-14. Review status: criteria provided, single submitter. Criteria: Invitae Variant Classification Sherloc (09022015). Collection method: clinical testing. Allele origin: germline.
Comment: This sequence change replaces alanine with valine at codon 962 of the ADAMTS2 protein (p.Ala962Val). The alanine residue is moderately conserved and there is a small physicochemical difference between alanine and valine. This variant is present in population databases (rs768445765, ExAC 0.003%). This variant has not been reported in the literature in individuals affected with ADAMTS2-related conditions. Algorithms developed to predict the effect of missense changes on protein structure and function (SIFT, PolyPhen-2, Align-GVGD) all suggest that this variant is likely to be tolerated. In summary, the available evidence is currently insufficient to determine the role of this variant in disease. Therefore, it has been classified as a Variant of Uncertain Significance.